The following is an entry in ClinVar:

ClinVar aggregate classification (germline): Uncertain significance (1 of 4 stars; one submission).

Conditions:
Hereditary cancer-predisposing syndrome. Also called: Neoplastic Syndromes, Hereditary; Tumor predisposition; Hereditary neoplastic syndrome; Hereditary Cancer Syndrome. Identifiers: Orphanet 140162, MedGen C0027672, MeSH D009386, MONDO:0015356.

Submission:

Ambry Genetics
Classification: Uncertain significance for Hereditary cancer-predisposing syndrome. Last evaluated: 2026-07-07. Review status: criteria provided, single submitter. Criteria: Ambry Variant Classification Scheme 2023. Collection method: clinical testing. Allele origin: germline.
Comment: The p.V756A variant (also known as c.2267T>C), located in coding exon 9 of the AXIN2 gene, results from a T to C substitution at nucleotide position 2267. The valine at codon 756 is replaced by alanine, an amino acid with similar properties. This amino acid position is conserved. In addition, this alteration is predicted to be tolerated by in silico analysis. Based on the available evidence, the clinical significance of this variant remains unclear.

NM_004655.4(AXIN2):c.2267T>C (p.Val756Ala)

Gene: AXIN2 (axin 2; minus strand). Cytogenetic location: 17q24.1.
Variant type: single nucleotide variant.
Coding change: c.2267T>C on transcript NM_004655.4 (MANE Select); coding-DNA position 2267, T replaced by C.
Protein change: p.Val756Ala; replaces valine 756 with alanine.
Molecular consequence: missense variant.
Genome position (GRCh38, 1-based): chr17:65,534,050, A>G on the plus strand (T>C on the coding strand, the complement: AXIN2 is on the minus strand). VCF-style: chr17-65534050-A-G. GRCh37 (hg19) VCF-style: chr17-63530168-A-G.
Other names: c.2072T>C, p.Val691Ala (NM_001363813.1); short protein forms V691A, V756A.
Identifiers: ClinVar variation 5032594 (VCV005032594.1).